The following is an entry in ClinVar:

NM_016562.4(TLR7):c.3077G>A (p.Trp1026Ter)

Gene: TLR7 (toll like receptor 7; plus strand). Cytogenetic location: Xp22.2.
Variant type: single nucleotide variant.
Coding change: c.3077G>A on transcript NM_016562.4 (MANE Select); coding-DNA position 3077, G replaced by A.
Protein change: p.Trp1026Ter; replaces tryptophan 1026 with a stop codon.
Molecular consequence: nonsense.
Genome position (GRCh38, 1-based): chrX:12,888,585, G>A. VCF-style: chrX-12888585-G-A. GRCh37 (hg19) VCF-style: chrX-12906704-G-A.
Other names: short protein forms W1026*.
Identifiers: ClinVar variation 2761554 (VCV002761554.3), dbSNP rs2518439629, ClinGen allele CA412412235.

ClinVar aggregate classification (germline): Uncertain significance (1 of 4 stars; one submission).

Submission:

Labcorp Genetics (formerly Invitae), Labcorp
Classification: Uncertain significance. Last evaluated: 2023-09-19. Review status: criteria provided, single submitter. Criteria: Invitae Variant Classification Sherloc (09022015). Collection method: clinical testing. Allele origin: germline.
Comment: This sequence change creates a premature translational stop signal (p.Trp1026*) in the TLR7 gene. While this is not anticipated to result in nonsense mediated decay, it is expected to disrupt the last 24 amino acid(s) of the TLR7 protein. This variant is not present in population databases (gnomAD no frequency). This variant has not been reported in the literature in individuals affected with TLR7-related conditions. Experimental studies and prediction algorithms are not available or were not evaluated, and the functional significance of this variant is currently unknown. In summary, the available evidence is currently insufficient to determine the role of this variant in disease. Therefore, it has been classified as a Variant of Uncertain Significance.